The following is an entry in ClinVar:

NM_177438.3(DICER1):c.646C>T (p.Pro216Ser)

Gene: DICER1 (dicer 1, ribonuclease III; minus strand). Cytogenetic location: 14q32.13.
Variant type: single nucleotide variant.
Coding change: c.646C>T on transcript NM_177438.3 (MANE Select); coding-DNA position 646, C replaced by T.
Protein change: p.Pro216Ser; replaces proline 216 with serine.
Molecular consequence: missense variant.
Genome position (GRCh38, 1-based): chr14:95,129,560, G>A on the plus strand (C>T on the coding strand, the complement: DICER1 is on the minus strand). VCF-style: chr14-95129560-G-A. GRCh37 (hg19) VCF-style: chr14-95595897-G-A.
Other names: c.646C>T, p.Pro216Ser (NM_001195573.1, NM_001271282.3, NM_001291628.2 and 1 more transcripts); c.646C>T (NM_177438.2); short protein forms P216S.
Identifiers: ClinVar variation 1408757 (VCV001408757.9), dbSNP rs757700482, ClinGen allele CA390888154.

ClinVar aggregate classification (germline): Uncertain significance. Review status: criteria provided, multiple submitters, no conflicts (2 of 4 stars). 3 submissions from 3 submitters: Uncertain significance (3). Last evaluated 2025-10-25.

Conditions:
DICER1-related tumor predisposition. Also called: DICER1 syndrome; DICER1-related pleuropulmonary blastoma cancer predisposition syndrome. Identifiers: Orphanet 284343, MedGen C3839822, MONDO:0100216.
Hereditary cancer-predisposing syndrome. Also called: Neoplastic Syndromes, Hereditary; Hereditary neoplastic syndrome; Hereditary Cancer Syndrome; Tumor predisposition. Identifiers: Orphanet 140162, MedGen C0027672, MeSH D009386, MONDO:0015356.

Submissions (3):

Ambry Genetics
Classification: Uncertain significance for Hereditary cancer-predisposing syndrome. Last evaluated: 2025-10-25. Review status: criteria provided, single submitter. Criteria: Ambry Variant Classification Scheme 2023. Collection method: clinical testing. Allele origin: germline.
Comment: The p.P216S variant (also known as c.646C>T), located in coding exon 5 of the DICER1 gene, results from a C to T substitution at nucleotide position 646. The proline at codon 216 is replaced by serine, an amino acid with similar properties. This amino acid position is conserved. In addition, the in silico prediction for this alteration is inconclusive. Based on the available evidence, the clinical significance of this variant remains unclear.

GeneDx
Classification: Uncertain significance. Last evaluated: 2024-04-30. Review status: criteria provided, single submitter. Criteria: GeneDx Variant Classification Process June 2021. Collection method: clinical testing. Allele origin: germline. Affected: yes.
Comment: Not observed at significant frequency in large population cohorts (gnomAD); In silico analysis supports that this missense variant has a deleterious effect on protein structure/function; Has not been previously published as pathogenic or benign to our knowledge

Labcorp Genetics (formerly Invitae), Labcorp
Classification: Uncertain significance for DICER1-related tumor predisposition. Last evaluated: 2021-11-05. Review status: criteria provided, single submitter. Criteria: Invitae Variant Classification Sherloc (09022015). Collection method: clinical testing. Allele origin: germline.
Comment: This sequence change replaces proline, which is neutral and non-polar, with serine, which is neutral and polar, at codon 216 of the DICER1 protein (p.Pro216Ser). In summary, the available evidence is currently insufficient to determine the role of this variant in disease. Therefore, it has been classified as a Variant of Uncertain Significance. Algorithms developed to predict the effect of missense changes on protein structure and function (SIFT, PolyPhen-2, Align-GVGD) all suggest that this variant is likely to be tolerated. This variant has not been reported in the literature in individuals affected with DICER1-related conditions. This variant is not present in population databases (gnomAD no frequency).